The following is an entry in ClinVar:

NM_001130987.2(DYSF):c.2853T>A (p.Cys951Ter)

Gene: DYSF (dysferlin; plus strand). Cytogenetic location: 2p13.2.
Variant type: single nucleotide variant.
Coding change: c.2853T>A on transcript NM_001130987.2 (MANE Select); coding-DNA position 2853, T replaced by A.
Protein change: p.Cys951Ter; replaces cysteine 951 with a stop codon.
Molecular consequence: nonsense.
Genome position (GRCh38, 1-based): chr2:71,568,327, T>A. VCF-style: chr2-71568327-T-A. GRCh37 (hg19) VCF-style: chr2-71795457-T-A.
Other names: c.2802T>A, p.Cys934Ter (NM_001130455.2, NM_001130983.2); c.2757T>A, p.Cys919Ter (NM_001130976.2, NM_001130977.2); c.2799T>A, p.Cys933Ter (NM_001130978.2, NM_003494.4); c.2892T>A, p.Cys964Ter (NM_001130979.2); c.2850T>A, p.Cys950Ter (NM_001130980.2, NM_001130981.2); c.2895T>A, p.Cys965Ter (NM_001130982.2); c.2760T>A, p.Cys920Ter (NM_001130984.2, NM_001130986.2); c.2853T>A, p.Cys951Ter (NM_001130985.2); short protein forms C919*, C920*, C933*, C934*, C950*, C951*, C964*, C965*.
Identifiers: ClinVar variation 983675 (VCV000983675.4), dbSNP rs2092231526, ClinGen allele CA347215317.
Genomic context (GRCh38, chr2:71,568,327, plus strand): 5'-ACCCAAGGACAGCTTCCGCCCCTCGGCCGGCTGGACCTGGGCTGGAGATTGGTTCGTGTG[T>A]CCGGAGAAGACGTGAGTCGTGGGCAGGGAGGGCTGGGGAGAGCCAGGCCAGGCTGCCCAC-3'

ClinVar aggregate classification (germline): Likely pathogenic (1 of 4 stars; one submission).

Conditions:
Autosomal recessive limb-girdle muscular dystrophy. Identifiers: Orphanet 102015, MedGen C2931907, MONDO:0015152.

Submission:

Myriad Genetics, Inc.
Classification: Likely pathogenic for Autosomal recessive limb-girdle muscular dystrophy. Last evaluated: 2020-02-24. Review status: criteria provided, single submitter. Criteria: Myriad Autosomal Dominant, Autosomal Recessive and X-Linked Classification Criteria (2023). Collection method: clinical testing. Allele origin: unknown.
Comment: NM_003494.3(DYSF):c.2799T>A(C933*) is expected to be pathogenic in the context of dysferlinopathy. This variant is predicted to lead to an abnormal or absent protein product due to the creation of a premature termination codon in DYSF, a gene where loss-of-function variants are known to be pathogenic. Please note: this variant was assessed in the context of healthy population screening.